The following is an entry in ClinVar:

ClinVar aggregate classification (germline): Uncertain significance (1 of 4 stars; one submission).

Allele frequency attached by ClinVar (database versions not stated): gnomAD exomes 0.00001; ExAC 0.00002.

Submission:

Women's Health and Genetics/Laboratory Corporation of America, LabCorp
Classification: Uncertain significance. Last evaluated: 2022-05-26. Review status: criteria provided, single submitter. Criteria: LabCorp Variant Classification Summary - May 2015. Collection method: clinical testing. Allele origin: germline.
Comment: Variant summary: TMEM231 c.1103T>G (p.Leu368X) results in a premature termination codon, affecting the last 2 amino acids of the encoded protein. Truncations downstream of this position have not been classified by our laboratory or cited in online databases (ClinVar, HGMD, LOVD). The variant allele was found at a frequency of 8.1e-06 in 245848 control chromosomes (gnomAD). The available data on variant occurrences in the general population are insufficient to allow any conclusion about variant significance. To our knowledge, no occurrence of c.1103T>G in individuals affected with Joubert Syndrome And Related Disorders and no experimental evidence demonstrating its impact on protein function have been reported. No clinical diagnostic laboratories have submitted clinical-significance assessments for this variant to ClinVar after 2014. Based on the evidence outlined above, the variant was classified as uncertain significance.

NM_001077418.3(TMEM231):c.944T>G (p.Leu315Ter)

Gene: TMEM231 (transmembrane protein 231; minus strand). Cytogenetic location: 16q23.1.
Variant type: single nucleotide variant.
Coding change: c.944T>G on transcript NM_001077418.3 (MANE Select); coding-DNA position 944, T replaced by G.
Protein change: p.Leu315Ter; replaces leucine 315 with a stop codon.
Molecular consequence: nonsense. On other transcripts: non-coding transcript variant (1).
Genome position (GRCh38, 1-based): chr16:75,540,001, A>C on the plus strand (T>G on the coding strand, the complement: TMEM231 is on the minus strand). VCF-style: chr16-75540001-A-C. GRCh37 (hg19) VCF-style: chr16-75573899-A-C.
Other names: c.1103T>G, p.Leu368Ter (NM_001077416.2); short protein forms L315*, L368*.
Identifiers: ClinVar variation 1696163 (VCV001696163.1), dbSNP rs756652972, ClinGen allele CA8175985.